The following is an entry in ClinVar:

ClinVar aggregate classification (germline): Uncertain significance. Review status: criteria provided, multiple submitters, no conflicts (2 of 4 stars). 2 submissions from 2 submitters: Uncertain significance (2). Last evaluated 2022-07-26.

Conditions:
Menkes kinky-hair syndrome (MNK). Also called: Menkes Disease; Copper transport disease; Classic Menkes Disease. Identifiers: Orphanet 565, MedGen C0022716, MONDO:0010651, OMIM 309400.
Cutis laxa, X-linked (OHS). Also called: EDS IX; Occipital horn syndrome. Identifiers: Orphanet 198, MedGen C0268353, MONDO:0010572, OMIM 304150.
X-linked distal spinal muscular atrophy type 3. Also called: SPINAL MUSCULAR ATROPHY, DISTAL, X-LINKED RECESSIVE; NEURONOPATHY, DISTAL HEREDITARY MOTOR, X-LINKED; NEUROPATHY, DISTAL HEREDITARY MOTOR, X-LINKED; ATP7A-Related Distal Motor Neuropathy. Identifiers: Orphanet 139557, MedGen C1845359, MONDO:0010338, OMIM 300489.

Allele frequency attached by ClinVar (database versions not stated): gnomAD exomes below 0.00001.
gnomAD v4.1: 1 of 1,210,399 alleles (0.000083%); highest among the groups gnomAD compares: Non-Finnish European, 0.00011%; no homozygotes.

Submissions (2):

Labcorp Genetics (formerly Invitae), Labcorp
Classification: Uncertain significance for X-linked distal spinal muscular atrophy type 3; Cutis laxa, X-linked; Menkes kinky-hair syndrome. Last evaluated: 2022-07-26. Review status: criteria provided, single submitter. Criteria: Invitae Variant Classification Sherloc (09022015). Collection method: clinical testing. Allele origin: germline.
Comment: This variant has not been reported in the literature in individuals affected with ATP7A-related conditions. This sequence change replaces leucine, which is neutral and non-polar, with serine, which is neutral and polar, at codon 631 of the ATP7A protein (p.Leu631Ser). This variant is not present in population databases (gnomAD no frequency). ClinVar contains an entry for this variant (Variation ID: 234827). Algorithms developed to predict the effect of missense changes on protein structure and function are either unavailable or do not agree on the potential impact of this missense change (SIFT: "Deleterious"; PolyPhen-2: "Probably Damaging"; Align-GVGD: "Class C0"). In summary, the available evidence is currently insufficient to determine the role of this variant in disease. Therefore, it has been classified as a Variant of Uncertain Significance.

GeneDx
Classification: Uncertain significance. Last evaluated: 2018-07-03. Review status: criteria provided, single submitter. Criteria: GeneDx Variant Classification (06012015). Collection method: clinical testing. Allele origin: germline. Affected: yes.
Comment: The L631S variant in the ATP7A gene has not been reported previously as a pathogenic variant, nor as a benign variant, to our knowledge. The L631S variant was not observed in approximately 6,500 individuals of European and African American ancestry in the NHLBI Exome Sequencing Project, indicating it is not a common benign variant in these populations. The L631S variant is a non-conservative amino acid substitution, which is likely to impact secondary protein structure as these residues differ in polarity, charge, size and/or other properties. This substitution occurs at a position that is conserved across species. In silico analysis predicts this variant is probably damaging to the protein structure/function. Missense variants in nearby residues (E628V, A629P, K633R, D635H) have been reported in the Human Gene Mutation Database in association with Menkes syndrome (Stenson et al., 2014), supporting the functional importance of this region of the protein. We interpret L631S as a variant of uncertain significance.

NM_000052.7(ATP7A):c.1892T>C (p.Leu631Ser)

Gene: ATP7A (ATPase copper transporting alpha; plus strand). Cytogenetic location: Xq21.1.
Variant type: single nucleotide variant.
Coding change: c.1892T>C on transcript NM_000052.7 (MANE Select); coding-DNA position 1892, T replaced by C.
Protein change: p.Leu631Ser; replaces leucine 631 with serine.
Molecular consequence: missense variant.
Genome position (GRCh38, 1-based): chrX:78,011,198, T>C. VCF-style: chrX-78011198-T-C. GRCh37 (hg19) VCF-style: chrX-77266695-T-C.
Other names: c.1892T>C, p.Leu631Ser (NM_001282224.2); short protein forms L631S.
Identifiers: ClinVar variation 234827 (VCV000234827.8), dbSNP rs876661241, ClinGen allele CA10577656.